The following is an entry in ClinVar:

NM_006254.4(PRKCD):c.214G>A (p.Val72Met)

Gene: PRKCD (protein kinase C delta; plus strand). Cytogenetic location: 3p21.1.
Variant type: single nucleotide variant.
Coding change: c.214G>A on transcript NM_006254.4 (MANE Select); coding-DNA position 214, G replaced by A.
Protein change: p.Val72Met; replaces valine 72 with methionine.
Molecular consequence: missense variant.
Genome position (GRCh38, 1-based): chr3:53,179,675, G>A. VCF-style: chr3-53179675-G-A. GRCh37 (hg19) VCF-style: chr3-53213691-G-A.
Other names: c.214G>A, p.Val72Met (NM_001316327.2, NM_001354679.2, NM_001354680.2 and 1 more transcripts); c.271G>A, p.Val91Met (NM_001354676.2); c.262G>A, p.Val88Met (NM_001354678.2); short protein forms V91M, V72M, V88M.
Identifiers: ClinVar variation 837398 (VCV000837398.5), dbSNP rs151061939, ClinGen allele CA2451706.

ClinVar aggregate classification (germline): Uncertain significance (1 of 4 stars; one submission).

Conditions:
Autoimmune lymphoproliferative syndrome, type III caused by mutation in PRKCD. Identifiers: Orphanet 3261, Orphanet 664711, MedGen C3809928, MONDO:8000024, OMIM 615559.

Allele frequency attached by ClinVar (database versions not stated): TOPMed 0.00005.
gnomAD v4.1: 5 of 1,613,108 alleles (0.00031%); highest among the groups gnomAD compares: East Asian, 0.011%; no homozygotes.

Submission:

Labcorp Genetics (formerly Invitae), Labcorp
Classification: Uncertain significance for Autoimmune lymphoproliferative syndrome, type III caused by mutation in PRKCD. Last evaluated: 2025-08-15. Review status: criteria provided, single submitter. Criteria: Invitae Variant Classification Sherloc (09022015). Collection method: clinical testing. Allele origin: germline.
Comment: This sequence change replaces valine, which is neutral and non-polar, with methionine, which is neutral and non-polar, at codon 72 of the PRKCD protein (p.Val72Met). This variant is present in population databases (rs151061939, gnomAD 0.02%). This variant has not been reported in the literature in individuals affected with PRKCD-related conditions. ClinVar contains an entry for this variant (Variation ID: 837398). An algorithm developed to predict the effect of missense changes on protein structure and function (PolyPhen-2) suggests that this variant is likely to be disruptive. In summary, the available evidence is currently insufficient to determine the role of this variant in disease. Therefore, it has been classified as a Variant of Uncertain Significance.